The following is an entry in ClinVar:

ClinVar aggregate classification (germline): Conflicting classifications of pathogenicity. Review status: criteria provided, conflicting classifications (1 of 4 stars). 2 submissions from 2 submitters: Uncertain significance (1); Likely benign (1). Last evaluated 2024-08-05.

Conditions:
Inborn genetic diseases. Identifiers: MedGen C0950123, MeSH D030342.
Neuropathy, hereditary sensory and autonomic, type 1C. Also called: HSAN IC; HSN IC. Identifiers: Orphanet 36386, MedGen C3150896, MONDO:0013337, OMIM 613640.

Submissions (2):

Labcorp Genetics (formerly Invitae), Labcorp
Classification: Uncertain significance for Neuropathy, hereditary sensory and autonomic, type 1C. Last evaluated: 2024-08-05. Review status: criteria provided, single submitter. Criteria: Invitae Variant Classification Sherloc (09022015). Collection method: clinical testing. Allele origin: germline.
Comment: This variant, c.122_127dup, results in the insertion of 2 amino acid(s) of the SPTLC2 protein (p.Ala41_Ala42dup), but otherwise preserves the integrity of the reading frame. This variant is not present in population databases (gnomAD no frequency). This variant has not been reported in the literature in individuals affected with SPTLC2-related conditions. Experimental studies and prediction algorithms are not available or were not evaluated, and the functional significance of this variant is currently unknown. In summary, the available evidence is currently insufficient to determine the role of this variant in disease. Therefore, it has been classified as a Variant of Uncertain Significance.

Ambry Genetics
Classification: Likely benign for Inborn genetic diseases. Last evaluated: 2024-02-29. Review status: criteria provided, single submitter. Criteria: Ambry Variant Classification Scheme 2023. Collection method: clinical testing. Allele origin: germline.

NM_004863.4(SPTLC2):c.119CCG[5] (p.Ala41_Ala42dup)

Gene: SPTLC2 (serine palmitoyltransferase long chain base subunit 2; minus strand). Cytogenetic location: 14q24.3.
Variant type: Microsatellite.
Coding change: c.119CCG[5] on transcript NM_004863.4 (MANE Select); five copies in a row of the 3-base unit CCG starting at c.119; the reference has three copies in a row; two copies, 6 bases duplicated.
Protein change: p.Ala41_Ala42dup.
Molecular consequence: inframe insertion.
Genome position (GRCh38, 1-based): chr14:77,616,453-77,616,458, CGGCGG duplicated on the plus strand (CCGCCG on the coding strand, the reverse complement: SPTLC2 is on the minus strand); duplicating any 6 consecutive bases within chr14:77,616,453-77,616,462 gives the same sequence; the position shown is the placement nearest the transcript's 3' end. VCF-style (leftmost placement, unchanged base first): chr14-77616452-C-CCGGCGG. GRCh37 (hg19) VCF-style: chr14-78082795-C-CCGGCGG.
Identifiers: ClinVar variation 538849 (VCV000538849.10), dbSNP rs1555379635, ClinGen allele CA658798241.